The following is an entry in ClinVar:

NM_006147.4(IRF6):c.169T>C (p.Phe57Leu)

Gene: IRF6 (interferon regulatory factor 6; minus strand). Cytogenetic location: 1q32.2.
Variant type: single nucleotide variant.
Coding change: c.169T>C on transcript NM_006147.4 (MANE Select); coding-DNA position 169, T replaced by C.
Protein change: p.Phe57Leu; replaces phenylalanine 57 with leucine.
Molecular consequence: missense variant. On other transcripts: intron variant (1).
Genome position (GRCh38, 1-based): chr1:209,801,245, A>G on the plus strand (T>C on the coding strand, the complement: IRF6 is on the minus strand). VCF-style: chr1-209801245-A-G. GRCh37 (hg19) VCF-style: chr1-209974590-A-G.
Other names: c.-111-4693T>C (NM_001206696.2); short protein forms F57L.
Identifiers: ClinVar variation 1043710 (VCV001043710.9), dbSNP rs2077939791, ClinGen allele CA344585398.
Genomic context (GRCh38, chr1:209,801,245, plus strand): 5'-AAAAAAAAAAAAAAAAAAAATCCAGAAAGGTCTGATGGTAGAAGAAGTCCTTTACCTTAA[A>G]AATGGTATTTTCCTCTTCTTGTTGAGGGCTATGCCGGGTGGCATGTTTCCAGGGAATCTG-3'
Protein context (NP_006138.1, residues 47-67): SPQQEEENTI[Phe57Leu]KAWAVETGKY

ClinVar aggregate classification (germline): Likely pathogenic (1 of 4 stars; one submission).

Conditions:
Van der Woude syndrome. Identifiers: Orphanet 888, MedGen C0175697, MONDO:0019508.
Orofacial cleft 6, susceptibility to (OFC6). Also called: CLEFT LIP WITH OR WITHOUT CLEFT PALATE, NONSYNDROMIC, 6. Identifiers: MedGen C1837213, MONDO:0012141, OMIM 608864.
Popliteal pterygium syndrome (PPS). Identifiers: Orphanet 294963, MedGen C0265259, MONDO:0017435.

Submission:

Labcorp Genetics (formerly Invitae), Labcorp
Classification: Likely pathogenic for Orofacial cleft 6, susceptibility to; Van der Woude syndrome; Popliteal pterygium syndrome. Last evaluated: 2023-03-10. Review status: criteria provided, single submitter. Criteria: Invitae Variant Classification Sherloc (09022015). Collection method: clinical testing. Allele origin: germline.
Comment: ClinVar contains an entry for this variant (Variation ID: 1043710). In summary, the currently available evidence indicates that the variant is pathogenic, but additional data are needed to prove that conclusively. Therefore, this variant has been classified as Likely Pathogenic. Advanced modeling of protein sequence and biophysical properties (such as structural, functional, and spatial information, amino acid conservation, physicochemical variation, residue mobility, and thermodynamic stability) performed at Invitae indicates that this missense variant is expected to disrupt IRF6 protein function. This missense change has been observed in individuals with Van der Woude syndrome (PMID: 19842205; Invitae). It has also been observed to segregate with disease in related individuals. This variant is not present in population databases (gnomAD no frequency). This sequence change replaces phenylalanine, which is neutral and non-polar, with leucine, which is neutral and non-polar, at codon 57 of the IRF6 protein (p.Phe57Leu).

Literature cited by the submitters: PubMed 19842205.